The following is an entry in ClinVar:

NM_001142800.2(EYS):c.3588dup (p.Glu1197Ter)

Gene: EYS (EGF-like photoreceptor maintenance factor; minus strand). Cytogenetic location: 6q12.
Variant type: Duplication.
Coding change: c.3588dup on transcript NM_001142800.2 (MANE Select); coding-DNA position 3588, one base duplicated (T; older notation c.3588dupT).
Protein change: p.Glu1197Ter; replaces glutamic acid 1197 with a stop codon.
Molecular consequence: nonsense.
Genome position (GRCh38, 1-based): chr6:64,617,514, A duplicated on the plus strand (T on the coding strand, the reverse complement: EYS is on the minus strand). VCF-style (leftmost placement, unchanged base first): chr6-64617513-C-CA. GRCh37 (hg19) VCF-style: chr6-65327406-C-CA.
Other names: c.3588dup, p.Glu1197Ter (NM_001292009.2); short protein forms E1197*.
Identifiers: ClinVar variation 1423642 (VCV001423642.6), dbSNP rs2149849545, ClinGen allele CA2573141013.

ClinVar aggregate classification (germline): Pathogenic (1 of 4 stars; one submission).

Submission:

Labcorp Genetics (formerly Invitae), Labcorp
Classification: Pathogenic. Last evaluated: 2023-09-21. Review status: criteria provided, single submitter. Criteria: Invitae Variant Classification Sherloc (09022015). Collection method: clinical testing. Allele origin: germline.
Comment: For these reasons, this variant has been classified as Pathogenic. ClinVar contains an entry for this variant (Variation ID: 1423642). This variant has not been reported in the literature in individuals affected with EYS-related conditions. This variant is not present in population databases (gnomAD no frequency). This sequence change creates a premature translational stop signal (p.Glu1197*) in the EYS gene. It is expected to result in an absent or disrupted protein product. Loss-of-function variants in EYS are known to be pathogenic (PMID: 18836446, 20333770).

Literature cited by the submitters: PubMed 18836446; PubMed 20333770.